The following is an entry in ClinVar:

ClinVar aggregate classification (germline): Pathogenic/Likely pathogenic. Review status: criteria provided, multiple submitters, no conflicts (2 of 4 stars). 6 submissions from 6 submitters: Pathogenic (4); Likely pathogenic (1). 1 of the submissions does not count toward it. Last evaluated 2025-12-15.

Conditions:
ABCA4-related disorder. Also called: ABCA4-related disorders; ABCA4-related condition. Identifiers: MedGen CN239167.
Retinitis pigmentosa (RP). Identifiers: Orphanet 791, MedGen C0035334, MeSH D012174, MONDO:0019200, OMIM 268000. Inheritance: Autosomal dominant, autosomal recessive and X linked inheritance.
Severe early-childhood-onset retinal dystrophy (STGD1). Also called: MACULAR DYSTROPHY WITH FLECKS, TYPE 1; STGD; Stargardt macular dystrophy; Juvenile onset macular degeneration; Stargardt disease 1. Identifiers: Orphanet 364055, Orphanet 827, MedGen C1855465, MeSH D000080362, MONDO:0009549, OMIM 248200.

Allele frequency attached by ClinVar (database versions not stated): gnomAD exomes below 0.00001; gnomAD 0.00001.
gnomAD v4.1: 2 of 1,613,980 alleles (0.00012%); highest among the groups gnomAD compares: Non-Finnish European, 0.00017%; no homozygotes.

Submissions (6):

3billion
Classification: Likely pathogenic for Severe early-childhood-onset retinal dystrophy. Last evaluated: 2025-12-15. Review status: criteria provided, single submitter. Criteria: ACMG Guidelines, 2015. Collection method: clinical testing. Allele origin: germline. Affected: yes.
Comment: The variant is observed at an extremely low frequency in the gnomAD v4.1.0 dataset (total allele frequency: <0.001%). Predicted Consequence/Location: Intron variant: previously reported to alter splicing from an in vitro assay and reduce expression level of the gene (PMID: 31397521) In silico tools predict the variant to alter splicing and produce an abnormal transcript [SpliceAI: 0.90 (>=0.2, moderate evidence for spliceogenicity)]. Intron variant: previously reported to alter splicing from an in vitro assay and reduce expression level of the gene (PMID: 31397521) Therefore, this variant is classified as Likely pathogenic according to the recommendation of ACMG/AMP guideline.

Women's Health and Genetics/Laboratory Corporation of America, LabCorp
Classification: Pathogenic for Retinitis pigmentosa. Last evaluated: 2025-04-22. Review status: criteria provided, single submitter. Criteria: LabCorp Variant Classification Summary - May 2015. Collection method: clinical testing. Allele origin: germline.
Comment: Variant summary: ABCA4 c.5018+5G>A alters a conserved nucleotide located close to a canonical splice site and therefore could affect mRNA splicing, leading to a significantly altered protein sequence. Several computational tools predict a significant impact on normal splicing: Four predict the variant abolishes a 5' splicing donor site. At least one publication reports experimental evidence that this variant affects mRNA splicing (Fadaie_2019). The variant was absent in 251448 control chromosomes (gnomAD). c.5018+5G>A has been observed in multiple individuals affected with Retinitis Pigmentosa or Stargardt Disease (e.g., Carss_2017, Fujinami_2019, Cornelis_2022). These data indicate that the variant is very likely to be associated with disease. The following publications have been ascertained in the context of this evaluation (PMID: 28041643, 31397521, 29925512, 35120629). ClinVar contains an entry for this variant (Variation ID: 438098). Based on the evidence outlined above, the variant was classified as pathogenic.

Revvity Omics, Revvity
Classification: Pathogenic. Last evaluated: 2024-10-23. Review status: criteria provided, single submitter. Criteria: ACMG Guidelines, 2015. Collection method: clinical testing. Allele origin: germline.

Labcorp Genetics (formerly Invitae), Labcorp
Classification: Pathogenic. Last evaluated: 2023-10-30. Review status: criteria provided, single submitter. Criteria: Invitae Variant Classification Sherloc (09022015). Collection method: clinical testing. Allele origin: germline.
Comment: This sequence change falls in intron 35 of the ABCA4 gene. It does not directly change the encoded amino acid sequence of the ABCA4 protein. It affects a nucleotide within the consensus splice site. This variant is not present in population databases (gnomAD no frequency). This variant has been observed in individual(s) with retinitis pigmentosa and/or Stargardt disease (PMID: 28041643, 28446513, 29925512, 31397521). In at least one individual the data is consistent with being in trans (on the opposite chromosome) from a pathogenic variant. ClinVar contains an entry for this variant (Variation ID: 438098). Variants that disrupt the consensus splice site are a relatively common cause of aberrant splicing (PMID: 17576681, 9536098). Studies have shown that this variant alters mRNA splicing and is expected to lead to the loss of protein expression (PMID: 31397521). For these reasons, this variant has been classified as Pathogenic.

Blueprint Genetics
Classification: Pathogenic for ABCA4-related disorders. Last evaluated: 2019-11-26. Review status: criteria provided, single submitter. Criteria: ACMG Guidelines, 2015. Collection method: clinical testing. Allele origin: germline. Affected: yes. Observed: 4 variant alleles.

NIHR Bioresource Rare Diseases, University of Cambridge
Classification: Likely pathogenic for Retinitis pigmentosa. Last evaluated: 2015-01-01. Review status: no assertion criteria provided. Collection method: research. Allele origin: unknown. Affected: yes. Observed: 1 variant allele. Not counted in ClinVar's aggregate classification.

Literature cited by the submitters: PubMed 28041643 (cited by 4 submitters); PubMed 29925512 (cited by Women's Health and Genetics/Laboratory Corporation of America, LabCorp and Labcorp Genetics (formerly Invitae), Labcorp); PubMed 35120629 (cited by Women's Health and Genetics/Laboratory Corporation of America, LabCorp); PubMed 31397521 (cited by Women's Health and Genetics/Laboratory Corporation of America, LabCorp and Labcorp Genetics (formerly Invitae), Labcorp); PubMed 28446513 (cited by Labcorp Genetics (formerly Invitae), Labcorp); PubMed 17576681 (cited by Labcorp Genetics (formerly Invitae), Labcorp); PubMed 9536098 (cited by Labcorp Genetics (formerly Invitae), Labcorp).

NM_000350.3(ABCA4):c.5018+5G>A

Genes: ABCA4 (ATP binding cassette subfamily A member 4; minus strand), LOC126805793 (CDK7 strongly-dependent group 2 enhancer GRCh37_chr1:94486302-94487501; plus strand). Cytogenetic location: 1p22.1.
Variant type: single nucleotide variant.
Coding change: c.5018+5G>A on transcript NM_000350.3 (MANE Select); 5 bases into the intron after coding-DNA position 5018, G replaced by A.
Molecular consequence: intron variant.
Genome position (GRCh38, 1-based): chr1:94,021,235, C>T on the plus strand (G>A on the coding strand, the complement: ABCA4 is on the minus strand). VCF-style: chr1-94021235-C-T. GRCh37 (hg19) VCF-style: chr1-94486791-C-T.
Identifiers: ClinVar variation 438098 (VCV000438098.11), dbSNP rs1553188588, ClinGen allele CA645509082.